The following is an entry in ClinVar:

NM_000069.3(CACNA1S):c.3425A>G (p.Gln1142Arg)

Gene: CACNA1S (calcium voltage-gated channel subunit alpha1 S; minus strand). Cytogenetic location: 1q32.1.
Variant type: single nucleotide variant.
Coding change: c.3425A>G on transcript NM_000069.3 (MANE Select); coding-DNA position 3425, A replaced by G.
Protein change: p.Gln1142Arg; replaces glutamine 1142 with arginine.
Molecular consequence: missense variant.
Genome position (GRCh38, 1-based): chr1:201,059,289, T>C on the plus strand (A>G on the coding strand, the complement: CACNA1S is on the minus strand). VCF-style: chr1-201059289-T-C. GRCh37 (hg19) VCF-style: chr1-201028417-T-C.
Other names: p.Gln1142Arg; short protein forms Q1142R.
Identifiers: ClinVar variation 1667232 (VCV001667232.11), dbSNP rs139373152, ClinGen allele CA082550.

ClinVar aggregate classification (germline): Conflicting classifications of pathogenicity. Review status: criteria provided, conflicting classifications (1 of 4 stars). 4 submissions from 4 submitters: Uncertain significance (3); Likely benign (1). Last evaluated 2026-05-08.

Conditions:
Congenital myopathy 18. Also called: Myopathy, congenital, due to dihydropyridine receptor defect; DIHYDROPYRIDINE RECEPTOR CONGENITAL MYOPATHY; DHPR CONGENITAL MYOPATHY. Identifiers: MedGen C5830283, MONDO:0859514, OMIM 620246.
Hypokalemic periodic paralysis, type 1. Also called: HypoPP; Hypokalemic Periodic Paralysis Type 1 (AD). Identifiers: Orphanet 681, MedGen C3714580, MONDO:0042979, OMIM 170400.
Malignant hyperthermia, susceptibility to, 5 (MHS5). Also called: CACNA1S-Related Malignant Hyperthermia Susceptibility. Identifiers: Orphanet 423, MedGen C1866077, MONDO:0011163, OMIM 601887.

gnomAD v4.1: 51 of 1,612,052 alleles (0.0032%); highest among the groups gnomAD compares: South Asian, 0.054%; no homozygotes.

Submissions (4):

Foundation for Research in Genetics and Endocrinology, FRIGE's Institute of Human Genetics
Classification: Uncertain significance for Congenital myopathy 18. Last evaluated: 2026-05-08. Review status: criteria provided, single submitter. Criteria: ACMG Guidelines, 2015. Collection method: clinical testing. Allele origin: germline. Inheritance: Autosomal recessive inheritance. Affected: yes. Observed: 1 variant allele, 1 homozygote.
Comment: A homozygous variant c.3425A>G in exon 27 of the CACNA1S gene, was detected. A p.Gln1142Arg mutation where the amino acid Glutamine (Gln) is replaced by Arginine (Arg) at position 1142 in a protein's chain. This variant has a minor allele frequency of 0.003% in the gnomAD database. In-silico predictions for this variant are deleterious by MutationTaster and REVEL with a CADD score of 26.700. In summary, the variant meets our criteria to be classified as variant of uncertain significance.

Labcorp Genetics (formerly Invitae), Labcorp
Classification: Likely benign for Hypokalemic periodic paralysis, type 1; Malignant hyperthermia, susceptibility to, 5. Last evaluated: 2026-01-26. Review status: criteria provided, single submitter. Criteria: Invitae Variant Classification Sherloc (09022015). Collection method: clinical testing. Allele origin: germline.

Color Diagnostics, LLC DBA Color Health
Classification: Uncertain significance for Malignant hyperthermia, susceptibility to, 5. Last evaluated: 2024-03-07. Review status: criteria provided, single submitter. Criteria: ACMG Guidelines, 2015. Collection method: clinical testing. Allele origin: germline.
Comment: This missense variant replaces glutamine with arginine at codon 1142 of the CACNA1S protein. Computational prediction suggests that this variant may have deleterious impact on protein structure and function. To our knowledge, functional studies have not been reported for this variant. This variant has not been reported in individuals affected with CACNA1S-related disorders in the literature. This variant has been identified in 17/251358 chromosomes in the general population by the Genome Aggregation Database (gnomAD). The available evidence is insufficient to determine the role of this variant in disease conclusively. Therefore, this variant is classified as a Variant of Uncertain Significance.

All of Us Research Program, National Institutes of Health
Classification: Uncertain significance for Malignant hyperthermia, susceptibility to, 5. Last evaluated: 2023-12-01. Review status: criteria provided, single submitter. Criteria: ACMG Guidelines, 2015. Collection method: clinical testing. Allele origin: germline. Inheritance: Autosomal dominant inheritance. Observed: 3 variant alleles, 3 heterozygotes.
Comment: This study involves interpretation of variants in research participants for the purpose of population health screening. Participant phenotype was not available at the time of variant classification. Additional details can be found in publication PMID: 35346344, PMCID: PMC8962531